The following is an entry in ClinVar:

NM_198576.4(AGRN):c.5989C>T (p.Pro1997Ser)

Gene: AGRN (agrin; plus strand). Cytogenetic location: 1p36.33.
Variant type: single nucleotide variant.
Coding change: c.5989C>T on transcript NM_198576.4 (MANE Select); coding-DNA position 5989, C replaced by T.
Protein change: p.Pro1997Ser; replaces proline 1997 with serine.
Molecular consequence: missense variant.
Genome position (GRCh38, 1-based): chr1:1,054,832, C>T. VCF-style: chr1-1054832-C-T. GRCh37 (hg19) VCF-style: chr1-990212-C-T.
Other names: c.6058C>T, p.Pro2020Ser (NM_001305275.2); c.5686C>T, p.Pro1896Ser (NM_001364727.2); short protein forms P1896S, P1997S, P2020S.
Identifiers: ClinVar variation 847353 (VCV000847353.5), dbSNP rs748233230, ClinGen allele CA510306.

ClinVar aggregate classification (germline): Uncertain significance. Review status: criteria provided, multiple submitters, no conflicts (2 of 4 stars). 2 submissions from 2 submitters: Uncertain significance (2). Last evaluated 2024-10-07.

Conditions:
Inborn genetic diseases. Identifiers: MedGen C0950123, MeSH D030342.
Congenital myasthenic syndrome 8. Also called: Myasthenic syndrome, congenital, 8, with pre- and postsynaptic defects; MYASTHENIC SYNDROME, CONGENITAL, DUE TO AGRIN DEFICIENCY. Identifiers: Orphanet 590, MedGen C3808739, MONDO:0014052, OMIM 615120.

Allele frequency attached by ClinVar (database versions not stated): ExAC below 0.00001; TOPMed 0.00001; gnomAD 0.00002 and 0.00003; gnomAD exomes 0.00002.
gnomAD v4.1: 33 of 1,557,356 alleles (0.0021%); highest among the groups gnomAD compares: African/African-American, 0.0027%; no homozygotes.

Submissions (2):

Ambry Genetics
Classification: Uncertain significance for Inborn genetic diseases. Last evaluated: 2024-10-07. Review status: criteria provided, single submitter. Criteria: Ambry Variant Classification Scheme 2023. Collection method: clinical testing. Allele origin: germline.

Labcorp Genetics (formerly Invitae), Labcorp
Classification: Uncertain significance for Congenital myasthenic syndrome 8. Last evaluated: 2022-06-26. Review status: criteria provided, single submitter. Criteria: Invitae Variant Classification Sherloc (09022015). Collection method: clinical testing. Allele origin: germline.
Comment: This sequence change replaces proline, which is neutral and non-polar, with serine, which is neutral and polar, at codon 1997 of the AGRN protein (p.Pro1997Ser). The frequency data for this variant in the population databases is considered unreliable, as metrics indicate poor data quality at this position in the gnomAD database. This variant has not been reported in the literature in individuals affected with AGRN-related conditions. ClinVar contains an entry for this variant (Variation ID: 847353). Algorithms developed to predict the effect of missense changes on protein structure and function (SIFT, PolyPhen-2, Align-GVGD) all suggest that this variant is likely to be tolerated. In summary, the available evidence is currently insufficient to determine the role of this variant in disease. Therefore, it has been classified as a Variant of Uncertain Significance.